The following is an entry in ClinVar:

ClinVar aggregate classification (germline): Uncertain significance. Review status: criteria provided, multiple submitters, no conflicts (2 of 4 stars). 2 submissions from 2 submitters: Uncertain significance (2). Last evaluated 2022-02-04.

Conditions:
Primary ciliary dyskinesia 23 (CILD23). Also called: CILIARY DYSKINESIA, PRIMARY, 23, WITH OR WITHOUT SITUS INVERSUS. Identifiers: Orphanet 244, MedGen C3809548, MONDO:0014193, OMIM 615451.
Primary ciliary dyskinesia. Also called: Ciliary dyskinesia. Identifiers: Orphanet 244, MedGen C0008780, MONDO:0016575, HP:0012265.

Allele frequency attached by ClinVar (database versions not stated): gnomAD exomes 0.00001; ExAC 0.00002; 1000 Genomes Project 30x 0.00016; 1000 Genomes Project 0.00020.
gnomAD v4.1: 17 of 1,612,132 alleles (0.0011%); highest among the groups gnomAD compares: East Asian, 0.0022%; no homozygotes.

Submissions (2):

Labcorp Genetics (formerly Invitae), Labcorp
Classification: Uncertain significance for Primary ciliary dyskinesia 23. Last evaluated: 2022-02-04. Review status: criteria provided, single submitter. Criteria: Invitae Variant Classification Sherloc (09022015). Collection method: clinical testing. Allele origin: germline.
Comment: In summary, the available evidence is currently insufficient to determine the role of this variant in disease. Therefore, it has been classified as a Variant of Uncertain Significance. Algorithms developed to predict the effect of missense changes on protein structure and function are either unavailable or do not agree on the potential impact of this missense change (SIFT: "Deleterious"; PolyPhen-2: "Possibly Damaging"; Align-GVGD: "Class C0"). ClinVar contains an entry for this variant (Variation ID: 412253). This variant has not been reported in the literature in individuals affected with ARMC4-related conditions. This variant is present in population databases (rs201056632, gnomAD 0.006%). This sequence change replaces aspartic acid, which is acidic and polar, with asparagine, which is neutral and polar, at codon 256 of the ARMC4 protein (p.Asp256Asn).

Ambry Genetics
Classification: Uncertain significance for Primary ciliary dyskinesia. Last evaluated: 2019-01-23. Review status: criteria provided, single submitter. Criteria: Ambry Variant Classification Scheme 2023. Collection method: clinical testing. Allele origin: germline.
Comment: The p.D256N variant (also known as c.766G>A), located in coding exon 5 of the ARMC4 gene, results from a G to A substitution at nucleotide position 766. The aspartic acid at codon 256 is replaced by asparagine, an amino acid with highly similar properties. This amino acid position is highly conserved in available vertebrate species. In addition, this alteration is predicted to be tolerated by in silico analysis. Since supporting evidence is limited at this time, the clinical significance of this alteration remains unclear.

NM_018076.5(ODAD2):c.766G>A (p.Asp256Asn)

Gene: ODAD2 (outer dynein arm docking complex subunit 2; minus strand). Cytogenetic location: 10p12.1.
Variant type: single nucleotide variant.
Coding change: c.766G>A on transcript NM_018076.5 (MANE Select); coding-DNA position 766, G replaced by A.
Protein change: p.Asp256Asn; replaces aspartic acid 256 with asparagine.
Molecular consequence: missense variant.
Genome position (GRCh38, 1-based): chr10:27,983,896, C>T on the plus strand (G>A on the coding strand, the complement: ODAD2 is on the minus strand). VCF-style: chr10-27983896-C-T. GRCh37 (hg19) VCF-style: chr10-28272825-C-T.
Other names: c.766G>A, p.Asp256Asn (NM_001290020.2); short protein forms D256N.
Identifiers: ClinVar variation 412253 (VCV000412253.14), dbSNP rs201056632, ClinGen allele CA5453726.
Genomic context (GRCh38, chr10:27,983,896, plus strand): 5'-TACTTACACCATTTAAAAATACTCCTCCTGCACTGCAAGTAATGCACAGAGTCTCACCAT[C>T]GTGAGGTTTCACCAGCACATAACAAATTTCCCCACGAATTTGTCTCCACGGTGGGGCTCG-3'
Protein context (NP_060546.2, residues 246-266): EICYVLVKPH[Asp256Asn]GETLCITCSA